The following is an entry in ClinVar:

NM_000051.4(ATM):c.7679T>G (p.Ile2560Arg)

Genes: ATM (ATM serine/threonine kinase; plus strand), C11orf65 (chromosome 11 open reading frame 65; minus strand). Cytogenetic location: 11q22.3.
Variant type: single nucleotide variant.
Coding change: c.7679T>G on transcript NM_000051.4 (MANE Select); coding-DNA position 7679, T replaced by G.
Protein change: p.Ile2560Arg; replaces isoleucine 2560 with arginine.
Molecular consequence: missense variant. On other transcripts: intron variant (2).
Genome position (GRCh38, 1-based): chr11:108,331,928, T>G. VCF-style: chr11-108331928-T-G. GRCh37 (hg19) VCF-style: chr11-108202655-T-G.
Other names: c.7679T>G, p.Ile2560Arg (NM_001351834.2); c.641-22857A>C (NM_001330368.2); c.*38+3292A>C (NM_001351110.2); short protein forms I2560R.
Identifiers: ClinVar variation 2723930 (VCV002723930.3), dbSNP rs2086294390, ClinGen allele CA382560994.

ClinVar aggregate classification (germline): Uncertain significance (1 of 4 stars; one submission).

Conditions:
Ataxia-telangiectasia syndrome (AT). Also called: LOUIS-BAR SYNDROME; Cerebello-oculocutaneous telangiectasia; Immunodeficiency with ataxia telangiectasia; Ataxia telangiectasia (A-T); Ataxia-telangiectasia, complementation group D; AT, COMPLEMENTATION GROUP C. Identifiers: Orphanet 100, MedGen C0004135, MONDO:0008840, OMIM 208900.

Submission:

Labcorp Genetics (formerly Invitae), Labcorp
Classification: Uncertain significance for Ataxia-telangiectasia syndrome. Last evaluated: 2023-07-03. Review status: criteria provided, single submitter. Criteria: Invitae Variant Classification Sherloc (09022015). Collection method: clinical testing. Allele origin: germline.
Comment: This sequence change replaces isoleucine, which is neutral and non-polar, with arginine, which is basic and polar, at codon 2560 of the ATM protein (p.Ile2560Arg). This variant is not present in population databases (gnomAD no frequency). This variant has not been reported in the literature in individuals affected with ATM-related conditions. An algorithm developed to predict the effect of missense changes on protein structure and function (PolyPhen-2) suggests that this variant is likely to be disruptive. In summary, the available evidence is currently insufficient to determine the role of this variant in disease. Therefore, it has been classified as a Variant of Uncertain Significance.